The following is an entry in ClinVar:

ClinVar aggregate classification (germline): Benign/Likely benign. Review status: criteria provided, multiple submitters, no conflicts (2 of 4 stars). 4 submissions from 4 submitters: Benign (2); Likely benign (1). 1 of the submissions does not count toward it. Last evaluated 2026-01-08.

Conditions:
Acrocallosal syndrome (ACLS). Also called: Schinzel syndrome 1; Absence of corpus callosum with unusual facial appearance, mental deficiency, duplication of the halluces and polydactyly; HALLUX DUPLICATION, POSTAXIAL POLYDACTYLY, AND ABSENCE OF CORPUS CALLOSUM. Identifiers: Orphanet 36, MedGen C0796147, MONDO:0008708, OMIM 200990.
KIF7-related disorder. Also called: KIF7-related condition.

Allele frequency attached by ClinVar (database versions not stated): gnomAD 0.00016 and 0.00019; 1000 Genomes Project 30x 0.00031; 1000 Genomes Project 0.00040; TOPMed 0.00041; gnomAD exomes 0.00048; ExAC 0.00050.

Submissions (4):

Labcorp Genetics (formerly Invitae), Labcorp
Classification: Benign for Acrocallosal syndrome. Last evaluated: 2026-01-08. Review status: criteria provided, single submitter. Criteria: Invitae Variant Classification Sherloc (09022015). Collection method: clinical testing. Allele origin: germline.

Blueprint Genetics
Classification: Likely benign. Last evaluated: 2024-10-08. Review status: criteria provided, single submitter. Criteria: ACMG Guidelines, 2015. Collection method: clinical testing. Allele origin: germline.

Breakthrough Genomics
Classification: Benign. Review status: criteria provided, single submitter. Criteria: ACMG Guidelines, 2015. Collection method: not provided. Allele origin: germline. Inheritance: Autosomal recessive inheritance. Affected: yes.

PreventionGenetics, part of Exact Sciences
Classification: Likely benign for KIF7-related condition. Last evaluated: 2020-05-29. Review status: no assertion criteria provided. Collection method: clinical testing. Allele origin: germline. Not counted in ClinVar's aggregate classification.
Comment: This variant is classified as likely benign based on ACMG/AMP sequence variant interpretation guidelines (Richards et al. 2015 PMID: 25741868, with internal and published modifications).

NM_198525.3(KIF7):c.3964T>C (p.Ser1322Pro)

Gene: KIF7 (kinesin family member 7; minus strand). Cytogenetic location: 15q26.1.
Variant type: single nucleotide variant.
Coding change: c.3964T>C on transcript NM_198525.3 (MANE Select); coding-DNA position 3964, T replaced by C.
Protein change: p.Ser1322Pro; replaces serine 1322 with proline.
Molecular consequence: missense variant.
Genome position (GRCh38, 1-based): chr15:89,628,487, A>G on the plus strand (T>C on the coding strand, the complement: KIF7 is on the minus strand). VCF-style: chr15-89628487-A-G. GRCh37 (hg19) VCF-style: chr15-90171718-A-G.
Other names: c.3964T>C (NM_198525.2); short protein forms S1322P.
Identifiers: ClinVar variation 1599449 (VCV001599449.12), dbSNP rs200891085, ClinGen allele CA7727466.